The following is an entry in ClinVar:

NM_015541.3(LRIG1):c.1075G>A (p.Val359Ile)

Gene: LRIG1 (leucine rich repeats and immunoglobulin like domains 1; minus strand). Cytogenetic location: 3p14.1.
Variant type: single nucleotide variant.
Coding change: c.1075G>A on transcript NM_015541.3 (MANE Select); coding-DNA position 1075, G replaced by A.
Protein change: p.Val359Ile; replaces valine 359 with isoleucine.
Molecular consequence: missense variant.
Genome position (GRCh38, 1-based): chr3:66,407,352, C>T on the plus strand (G>A on the coding strand, the complement: LRIG1 is on the minus strand). VCF-style: chr3-66407352-C-T. GRCh37 (hg19) VCF-style: chr3-66457776-C-T.
Other names: c.1000G>A, p.Val334Ile (NM_001377344.1); c.295G>A, p.Val99Ile (NM_001377345.1, NM_001377346.1); short protein forms V334I, V359I, V99I.
Identifiers: ClinVar variation 3045551 (VCV003045551.2), dbSNP rs144324988, ClinGen allele CA2484951.

ClinVar aggregate classification (germline): Likely benign (0 of 4 stars; one submission).

Conditions:
LRIG1-related disorder. Also called: LRIG1-related condition.

Allele frequency attached by ClinVar (database versions not stated): 1000 Genomes Project 30x 0.00047; 1000 Genomes Project 0.00060; TOPMed 0.00095; gnomAD 0.00100; ExAC 0.00103; ESP Exome Variant Server 0.00108; gnomAD exomes 0.00127.
gnomAD v4.1: 2,019 of 1,614,110 alleles (0.13%); highest among the groups gnomAD compares: Non-Finnish European, 0.14%; 2 homozygotes.

Submission:

PreventionGenetics, part of Exact Sciences
Classification: Likely benign for LRIG1-related condition. Last evaluated: 2019-11-11. Review status: no assertion criteria provided. Collection method: clinical testing. Allele origin: germline.
Comment: This variant is classified as likely benign based on ACMG/AMP sequence variant interpretation guidelines (Richards et al. 2015 PMID: 25741868, with internal and published modifications).